The following is an entry in ClinVar:

NM_001163435.3(TBCK):c.2570A>G (p.Glu857Gly)

Gene: TBCK (TBC1 domain containing kinase; minus strand). Cytogenetic location: 4q24.
Variant type: single nucleotide variant.
Coding change: c.2570A>G on transcript NM_001163435.3 (MANE Select); coding-DNA position 2570, A replaced by G.
Protein change: p.Glu857Gly; replaces glutamic acid 857 with glycine.
Molecular consequence: missense variant.
Genome position (GRCh38, 1-based): chr4:106,095,483, T>C on the plus strand (A>G on the coding strand, the complement: TBCK is on the minus strand). VCF-style: chr4-106095483-T-C. GRCh37 (hg19) VCF-style: chr4-107016640-T-C.
Other names: c.2570A>G, p.Glu857Gly (NM_001163436.4); c.2453A>G, p.Glu818Gly (NM_001163437.3); c.2054A>G, p.Glu685Gly (NM_001290768.2); c.2381A>G, p.Glu794Gly (NM_033115.5); short protein forms E794G, E818G, E685G, E857G.
Identifiers: ClinVar variation 2132010 (VCV002132010.4), dbSNP rs2477598447, ClinGen allele CA357970547.

ClinVar aggregate classification (germline): Uncertain significance (1 of 4 stars; one submission).

gnomAD v4.1: 1 of 1,613,468 alleles (0.000062%); highest among the groups gnomAD compares: African/African-American, 0.0013%; no homozygotes.

Submission:

Labcorp Genetics (formerly Invitae), Labcorp
Classification: Uncertain significance. Last evaluated: 2022-08-23. Review status: criteria provided, single submitter. Criteria: Invitae Variant Classification Sherloc (09022015). Collection method: clinical testing. Allele origin: germline.
Comment: In summary, the available evidence is currently insufficient to determine the role of this variant in disease. Therefore, it has been classified as a Variant of Uncertain Significance. Algorithms developed to predict the effect of missense changes on protein structure and function (SIFT, PolyPhen-2, Align-GVGD) all suggest that this variant is likely to be tolerated. This variant has not been reported in the literature in individuals affected with TBCK-related conditions. This variant is not present in population databases (gnomAD no frequency). This sequence change replaces glutamic acid, which is acidic and polar, with glycine, which is neutral and non-polar, at codon 857 of the TBCK protein (p.Glu857Gly).